The following is an entry in ClinVar:

ClinVar aggregate classification (germline): Benign/Likely benign. Review status: criteria provided, multiple submitters, no conflicts (2 of 4 stars). 3 submissions from 3 submitters: Benign (1); Likely benign (2). Last evaluated 2025-03-12.

Conditions:
Pheochromocytoma. Also called: MAX-Related Hereditary Paraganglioma-Pheochromocytoma Syndrome. Identifiers: Orphanet 29072, MedGen C0031511, MONDO:0008233, OMIM 171300, HP:0002666.
Pheochromocytoma/paraganglioma syndrome 4. Also called: CAROTID BODY TUMORS AND MULTIPLE EXTRAADRENAL PHEOCHROMOCYTOMAS; PARAGANGLIOMA, FAMILIAL MALIGNANT; PARAGANGLIOMAS, HEREDITARY EXTRAADRENAL; PHEOCHROMOCYTOMA, FAMILIAL EXTRAADRENAL; Paragangliomas 4; SDHB-Related Hereditary Paraganglioma-Pheochromocytoma Syndrome (Paragangliomas 4). Identifiers: Orphanet 29072, MedGen C1861848, MONDO:0007273, OMIM 115310.
Gastrointestinal stromal tumor. Also called: Gastrointestinal stroma tumor; Gastrointestinal stromal tumor, somatic. Identifiers: Orphanet 44890, MedGen C0238198, MeSH D046152, MONDO:0011719, OMIM 606764, HP:0100723.
Hereditary cancer-predisposing syndrome. Also called: Tumor predisposition; Hereditary Cancer Syndrome; Hereditary neoplastic syndrome; Neoplastic Syndromes, Hereditary. Identifiers: Orphanet 140162, MedGen C0027672, MeSH D009386, MONDO:0015356.

Allele frequency attached by ClinVar (database versions not stated): gnomAD exomes below 0.00001; gnomAD 0.00001; TOPMed 0.00001; ESP Exome Variant Server 0.00008.
gnomAD v4.1: 1 of 1,613,968 alleles (0.000062%); highest among the groups gnomAD compares: African/African-American, 0.0013%; no homozygotes.

Submissions (3):

Myriad Genetics, Inc.
Classification: Benign for Pheochromocytoma/paraganglioma syndrome 4. Last evaluated: 2025-03-12. Review status: criteria provided, single submitter. Criteria: Myriad Autosomal Dominant, Autosomal Recessive and X-Linked Classification Criteria (2023). Collection method: clinical testing. Allele origin: unknown.
Comment: This variant is considered benign. This variant is a silent/synonymous amino acid change and it is not expected to impact splicing.

Labcorp Genetics (formerly Invitae), Labcorp
Classification: Likely benign for Gastrointestinal stromal tumor; Pheochromocytoma/paraganglioma syndrome 4; Pheochromocytoma. Last evaluated: 2024-11-24. Review status: criteria provided, single submitter. Criteria: Invitae Variant Classification Sherloc (09022015). Collection method: clinical testing. Allele origin: germline.

Ambry Genetics
Classification: Likely benign for Hereditary cancer-predisposing syndrome. Last evaluated: 2023-05-28. Review status: criteria provided, single submitter. Criteria: Ambry Variant Classification Scheme 2023. Collection method: clinical testing. Allele origin: germline.

NM_003000.3(SDHB):c.123A>G (p.Lys41=)

Gene: SDHB (succinate dehydrogenase complex iron sulfur subunit B; minus strand). Cytogenetic location: 1p36.13.
Variant type: single nucleotide variant.
Coding change: c.123A>G on transcript NM_003000.3 (MANE Select); coding-DNA position 123, A replaced by G.
Protein change: p.Lys41=; no amino-acid change (lysine 41 retained).
Molecular consequence: synonymous variant.
Genome position (GRCh38, 1-based): chr1:17,044,838, T>C on the plus strand (A>G on the coding strand, the complement: SDHB is on the minus strand). VCF-style: chr1-17044838-T-C. GRCh37 (hg19) VCF-style: chr1-17371333-T-C.
Other names: c.123A>G (NM_003000.2).
Identifiers: ClinVar variation 1156555 (VCV001156555.10), dbSNP rs137877851, ClinGen allele CA18610384.